The following is an entry in ClinVar:

ClinVar aggregate classification (germline): Uncertain significance (1 of 4 stars; one submission).

Allele frequency attached by ClinVar (database versions not stated): gnomAD 0.00003; TOPMed 0.00005.
gnomAD v4.1: 23 of 1,510,868 alleles (0.0015%); highest among the groups gnomAD compares: African/African-American, 0.0072%; no homozygotes.

Submission:

Labcorp Genetics (formerly Invitae), Labcorp
Classification: Uncertain significance. Last evaluated: 2025-06-20. Review status: criteria provided, single submitter. Criteria: Invitae Variant Classification Sherloc (09022015). Collection method: clinical testing. Allele origin: germline.
Comment: This sequence change replaces glycine, which is neutral and non-polar, with glutamic acid, which is acidic and polar, at codon 1421 of the APC2 protein (p.Gly1421Glu). This variant is not present in population databases (gnomAD no frequency). This variant has not been reported in the literature in individuals affected with APC2-related conditions. ClinVar contains an entry for this variant (Variation ID: 1905280). Invitae Evidence Modeling of protein sequence and biophysical properties (such as structural, functional, and spatial information, amino acid conservation, physicochemical variation, residue mobility, and thermodynamic stability) indicates that this missense variant is not expected to disrupt APC2 protein function with a negative predictive value of 80%. In summary, the available evidence is currently insufficient to determine the role of this variant in disease. Therefore, it has been classified as a Variant of Uncertain Significance.

NM_005883.3(APC2):c.4262G>A (p.Gly1421Glu)

Gene: APC2 (APC regulator of Wnt signaling pathway 2; plus strand). Cytogenetic location: 19p13.3.
Variant type: single nucleotide variant.
Coding change: c.4262G>A on transcript NM_005883.3 (MANE Select); coding-DNA position 4262, G replaced by A.
Protein change: p.Gly1421Glu; replaces glycine 1421 with glutamic acid.
Molecular consequence: missense variant.
Genome position (GRCh38, 1-based): chr19:1,467,563, G>A. VCF-style: chr19-1467563-G-A. GRCh37 (hg19) VCF-style: chr19-1467562-G-A.
Other names: c.4259G>A, p.Gly1420Glu (NM_001351273.1); short protein forms G1420E, G1421E.
Identifiers: ClinVar variation 1905280 (VCV001905280.3), dbSNP rs995514327, ClinGen allele CA304078293.